The following is an entry in ClinVar:

NM_017654.4(SAMD9):c.3154del (p.Ser1052fs)

Gene: SAMD9 (sterile alpha motif domain containing 9; minus strand). Cytogenetic location: 7q21.2.
Variant type: Deletion.
Coding change: c.3154del on transcript NM_017654.4 (MANE Select); coding-DNA position 3154, one base deleted (T; older notation c.3154delT).
Protein change: p.Ser1052fs; shifts the reading frame from serine 1052.
Molecular consequence: frameshift variant.
Genome position (GRCh38, 1-based): chr7:93,102,944, A deleted on the plus strand (T on the coding strand, the reverse complement: SAMD9 is on the minus strand); the first of 4 consecutive A bases (chr7:93,102,944-93,102,947); deleting any one gives the same sequence. VCF-style (leftmost placement, unchanged base first): chr7-93102943-GA-G. GRCh37 (hg19) VCF-style: chr7-92732256-GA-G.
Other names: c.3154del, p.Ser1052fs (NM_001193307.2); short protein forms S1052fs.
Identifiers: ClinVar variation 2759776 (VCV002759776.3), dbSNP rs2535356423, ClinGen allele CA2697557407.

ClinVar aggregate classification (germline): Uncertain significance (1 of 4 stars; one submission).

Submission:

Labcorp Genetics (formerly Invitae), Labcorp
Classification: Uncertain significance. Last evaluated: 2023-06-02. Review status: criteria provided, single submitter. Criteria: Invitae Variant Classification Sherloc (09022015). Collection method: clinical testing. Allele origin: germline.
Comment: In summary, the available evidence is currently insufficient to determine the role of this variant in disease. Therefore, it has been classified as a Variant of Uncertain Significance. This variant has not been reported in the literature in individuals affected with SAMD9-related conditions. This variant is not present in population databases (gnomAD no frequency). This sequence change creates a premature translational stop signal (p.Ser1052Profs*52) in the SAMD9 gene. While this is not anticipated to result in nonsense mediated decay, it is expected to disrupt the last 538 amino acid(s) of the SAMD9 protein.